The following is an entry in ClinVar:

ClinVar aggregate classification (germline): Likely benign. Review status: criteria provided, multiple submitters, no conflicts (2 of 4 stars). 4 submissions from 4 submitters: Likely benign (4). Last evaluated 2026-01-19.

Conditions:
Early-infantile DEE. Also called: Early infantile epileptic encephalopathy; Ohtahara syndrome; Early infantile epileptic encephalopathy with suppression bursts. Identifiers: Orphanet 1934, MedGen C0393706, MONDO:0800491.

Allele frequency attached by ClinVar (database versions not stated): ExAC 0.00001; gnomAD exomes 0.00001 and 0.00003; gnomAD 0.00002 and 0.00003; TOPMed 0.00002.
gnomAD v4.1: 24 of 1,607,756 alleles (0.0015%); highest among the groups gnomAD compares: South Asian, 0.012%; no homozygotes.

Submissions (4):

Labcorp Genetics (formerly Invitae), Labcorp
Classification: Likely benign for Early-infantile DEE. Last evaluated: 2026-01-19. Review status: criteria provided, single submitter. Criteria: Invitae Variant Classification Sherloc (09022015). Collection method: clinical testing. Allele origin: germline.

Blueprint Genetics
Classification: Likely benign. Last evaluated: 2022-06-16. Review status: criteria provided, single submitter. Criteria: ACMG Guidelines, 2015. Collection method: clinical testing. Allele origin: germline.

CeGaT Center for Human Genetics Tuebingen
Classification: Likely benign. Last evaluated: 2019-03-01. Review status: criteria provided, single submitter. Criteria: CeGaT Center For Human Genetics Tuebingen Variant Classification Criteria Version 2. Collection method: clinical testing. Allele origin: germline. Affected: yes. Observed: 2 variant alleles.

GeneDx
Classification: Likely benign. Last evaluated: 2017-05-02. Review status: criteria provided, single submitter. Criteria: GeneDx Variant Classification (06012015). Collection method: clinical testing. Allele origin: germline. Affected: yes.
Comment: This variant is considered likely benign or benign based on one or more of the following criteria: it is a conservative change, it occurs at a poorly conserved position in the protein, it is predicted to be benign by multiple in silico algorithms, and/or has population frequency not consistent with disease.

NM_172107.4(KCNQ2):c.552C>T (p.Ala184=)

Gene: KCNQ2 (potassium voltage-gated channel subfamily Q member 2; minus strand). Cytogenetic location: 20q13.33.
Variant type: single nucleotide variant.
Coding change: c.552C>T on transcript NM_172107.4 (MANE Select); coding-DNA position 552, C replaced by T.
Protein change: p.Ala184=; no amino-acid change (alanine 184 retained).
Molecular consequence: synonymous variant.
Genome position (GRCh38, 1-based): chr20:63,444,797, G>A on the plus strand (C>T on the coding strand, the complement: KCNQ2 is on the minus strand). VCF-style: chr20-63444797-G-A. GRCh37 (hg19) VCF-style: chr20-62076150-G-A.
Other names: c.552C>T, p.Ala184= (NM_004518.6, NM_172106.3, NM_172108.5 and 1 more transcripts).
Identifiers: ClinVar variation 509330 (VCV000509330.52), dbSNP rs764119402, ClinGen allele CA9958778.
Genomic context (GRCh38, chr20:63,444,797, plus strand): 5'-CTGCAGGAAGCGCAGGCTCCGGAGCGCAGATGTGGCAAAGACGTTGCCCTGGGAGCCGGC[G>A]GCCAGCACCGCAATGGAGGCGATGAGCACCATGATGTCTACAAAGCGGGCGTGGAGCTGG-3'
Protein context (NP_742105.1, residues 174-194): MVLIASIAVL[Ala184=]AGSQGNVFAT